The following is an entry in ClinVar:

ClinVar aggregate classification (germline): Uncertain significance (1 of 4 stars; one submission).

Conditions:
Charcot-Marie-Tooth disease type 2. Also called: Charcot-Marie-Tooth type 2. Identifiers: Orphanet 64746, MedGen C0270914, MONDO:0018993.

Submission:

Labcorp Genetics (formerly Invitae), Labcorp
Classification: Uncertain significance for Charcot-Marie-Tooth disease type 2. Last evaluated: 2021-04-27. Review status: criteria provided, single submitter. Criteria: Invitae Variant Classification Sherloc (09022015). Collection method: clinical testing. Allele origin: germline.
Comment: In summary, the available evidence is currently insufficient to determine the role of this variant in disease. Therefore, it has been classified as a Variant of Uncertain Significance. Advanced modeling of protein sequence and biophysical properties (such as structural, functional, and spatial information, amino acid conservation, physicochemical variation, residue mobility, and thermodynamic stability) performed at Invitae indicates that this missense variant is expected to disrupt MFN2 protein function. This variant has not been reported in the literature in individuals with MFN2-related conditions. ClinVar contains an entry for this variant (Variation ID: 476773). This variant is not present in population databases (ExAC no frequency). This sequence change replaces leucine with proline at codon 190 of the MFN2 protein (p.Leu190Pro). The leucine residue is highly conserved and there is a moderate physicochemical difference between leucine and proline.

NM_014874.4(MFN2):c.569T>C (p.Leu190Pro)

Gene: MFN2 (mitofusin 2; plus strand). Cytogenetic location: 1p36.22.
Variant type: single nucleotide variant.
Coding change: c.569T>C on transcript NM_014874.4 (MANE Select); coding-DNA position 569, T replaced by C.
Protein change: p.Leu190Pro; replaces leucine 190 with proline.
Molecular consequence: missense variant.
Genome position (GRCh38, 1-based): chr1:11,997,391, T>C. VCF-style: chr1-11997391-T-C. GRCh37 (hg19) VCF-style: chr1-12057448-T-C.
Other names: c.569T>C, p.Leu190Pro (NM_001127660.2); short protein forms L190P.
Identifiers: ClinVar variation 476773 (VCV000476773.8), dbSNP rs1553142726, ClinGen allele CA338436892.